The following is an entry in ClinVar:

NM_025233.7(COASY):c.740G>A (p.Arg247His)

Gene: COASY (Coenzyme A synthase; plus strand). Cytogenetic location: 17q21.2.
Variant type: single nucleotide variant.
Coding change: c.740G>A on transcript NM_025233.7 (MANE Select); coding-DNA position 740, G replaced by A.
Protein change: p.Arg247His; replaces arginine 247 with histidine.
Molecular consequence: missense variant.
Genome position (GRCh38, 1-based): chr17:42,564,000, G>A. VCF-style: chr17-42564000-G-A. GRCh37 (hg19) VCF-style: chr17-40716018-G-A.
Other names: c.740G>A, p.Arg247His (NM_001042529.3); c.827G>A, p.Arg276His (NM_001042532.4); short protein forms R247H, R276H.
Identifiers: ClinVar variation 1419096 (VCV001419096.8), dbSNP rs776578070, ClinGen allele CA399594397.

ClinVar aggregate classification (germline): Uncertain significance. Review status: criteria provided, multiple submitters, no conflicts (2 of 4 stars). 2 submissions from 2 submitters: Uncertain significance (2). Last evaluated 2024-05-20.

Conditions:
Neurodegeneration with brain iron accumulation 6 (NBIA6). Also called: COASY protein-associated neurodegeneration. Identifiers: Orphanet 397725, MedGen C4517377, MONDO:0014290, OMIM 615643.
Neurodegeneration with brain iron accumulation (NBIA). Identifiers: Orphanet 385, MedGen C2931845, MONDO:0018307.

Allele frequency attached by ClinVar (database versions not stated): TOPMed below 0.00001.
gnomAD v4.1: 16 of 1,613,954 alleles (0.00099%); highest among the groups gnomAD compares: Middle Eastern, 0.017%; no homozygotes.

Submissions (2):

Labcorp Genetics (formerly Invitae), Labcorp
Classification: Uncertain significance for Neurodegeneration with brain iron accumulation 6. Last evaluated: 2024-05-20. Review status: criteria provided, single submitter. Criteria: Invitae Variant Classification Sherloc (09022015). Collection method: clinical testing. Allele origin: germline.
Comment: This sequence change replaces arginine, which is basic and polar, with histidine, which is basic and polar, at codon 247 of the COASY protein (p.Arg247His). This variant is present in population databases (no rsID available, gnomAD 0.0009%). This variant has not been reported in the literature in individuals affected with COASY-related conditions. ClinVar contains an entry for this variant (Variation ID: 1419096). Advanced modeling of protein sequence and biophysical properties (such as structural, functional, and spatial information, amino acid conservation, physicochemical variation, residue mobility, and thermodynamic stability) performed at Invitae indicates that this missense variant is expected to disrupt COASY protein function with a positive predictive value of 80%. In summary, the available evidence is currently insufficient to determine the role of this variant in disease. Therefore, it has been classified as a Variant of Uncertain Significance.

Department of Pathology and Laboratory Medicine, Sinai Health System
Classification: Uncertain significance for neurodegeneration with brain iron accumulation. Last evaluated: 2023-03-16. Review status: criteria provided, single submitter. Criteria: ACMG Guidelines, 2015. Collection method: research. Allele origin: germline.